The following is an entry in ClinVar:

NM_004959.5(NR5A1):c.991-18C>A

Gene: NR5A1 (nuclear receptor subfamily 5 group A member 1; minus strand). Cytogenetic location: 9q33.3.
Variant type: single nucleotide variant.
Coding change: c.991-18C>A on transcript NM_004959.5 (MANE Select); 18 bases into the intron before coding-DNA position 991, C replaced by A.
Molecular consequence: intron variant.
Genome position (GRCh38, 1-based): chr9:124,491,246, G>T on the plus strand (C>A on the coding strand, the complement: NR5A1 is on the minus strand). VCF-style: chr9-124491246-G-T. GRCh37 (hg19) VCF-style: chr9-127253525-G-T.
Identifiers: ClinVar variation 2947882 (VCV002947882.3), dbSNP rs773032761, ClinGen allele CA2691610417.
Genomic context (GRCh38, chr9:124,491,246, plus strand): 5'-GCAGCAGCGAGCCCGCCTGGGTGGCCACTGTGGTCAGCTCCACCTGGGGGCAGAGGGCAC[G>T]GGGCGGGGGACAGTCAGAGGACGTGGGTCCGGGCAGGTGGCTCTCTGATGGGGGATGCAG-3'

ClinVar aggregate classification (germline): Pathogenic (1 of 4 stars; one submission).

Conditions:
Oligosynaptic infertility (SPGF1). Also called: SPERMATOGENIC FAILURE 1; OLIGOCHIASMATIC INFERTILITY. Identifiers: MedGen C0403810, MONDO:0009776, OMIM 258150.
46 XY differences of sex development. Also called: 46, XY disorder of sex development (DSD); 46,XY disorder of sex development. Identifiers: Orphanet 98085, MedGen C2751824, MONDO:0020040.

Submission:

Labcorp Genetics (formerly Invitae), Labcorp
Classification: Pathogenic for 46 XY differences of sex development; Oligosynaptic infertility. Last evaluated: 2023-06-15. Review status: criteria provided, single submitter. Criteria: Invitae Variant Classification Sherloc (09022015). Collection method: clinical testing. Allele origin: germline.
Comment: This sequence change falls in intron 5 of the NR5A1 gene. It does not directly change the encoded amino acid sequence of the NR5A1 protein. This variant is not present in population databases (gnomAD no frequency). This variant has been observed in individual(s) with NR5A1-related conditions (Invitae). In at least one individual the variant was observed to be de novo. Algorithms developed to predict the effect of sequence changes on RNA splicing suggest that this variant may disrupt the consensus splice site. For these reasons, this variant has been classified as Pathogenic.